The following is an entry in ClinVar:

NM_030662.4(MAP2K2):c.540del (p.Leu181fs)

Gene: MAP2K2 (mitogen-activated protein kinase kinase 2; minus strand). Cytogenetic location: 19p13.3.
Variant type: Deletion.
Coding change: c.540del on transcript NM_030662.4 (MANE Select); coding-DNA position 540, one base deleted (C; older notation c.540delC).
Protein change: p.Leu181fs; shifts the reading frame from leucine 181.
Molecular consequence: frameshift variant. On other transcripts: 5 prime UTR variant (1).
Genome position (GRCh38, 1-based): chr19:4,101,269, G deleted on the plus strand (C on the coding strand, the reverse complement: MAP2K2 is on the minus strand). VCF-style (leftmost placement, unchanged base first): chr19-4101268-AG-A. GRCh37 (hg19) VCF-style: chr19-4101266-AG-A.
Other names: c.540del, p.Leu181fs (NM_001440688.1); c.-31del (NM_001440689.1); short protein forms L181fs.
Identifiers: ClinVar variation 4710874 (VCV004710874.1).

ClinVar aggregate classification (germline): Uncertain significance (1 of 4 stars; one submission).

Conditions:
RASopathy. Also called: Noonan spectrum disorder; rasopathies. Identifiers: Orphanet 536391, MedGen C5555857, MONDO:0021060.

Submission:

Labcorp Genetics (formerly Invitae), Labcorp
Classification: Uncertain significance for RASopathy. Last evaluated: 2025-04-01. Review status: criteria provided, single submitter. Criteria: Invitae Variant Classification Sherloc (09022015). Collection method: clinical testing. Allele origin: germline.
Comment: This sequence change creates a premature translational stop signal (p.Leu181Trpfs*15) in the MAP2K2 gene. It is expected to result in an absent or disrupted protein product. However, the current clinical and genetic evidence is not sufficient to establish whether loss-of-function variants in MAP2K2 cause disease. This variant is not present in population databases (gnomAD no frequency). This variant has not been reported in the literature in individuals affected with MAP2K2-related conditions. In summary, the available evidence is currently insufficient to determine the role of this variant in disease. Therefore, it has been classified as a Variant of Uncertain Significance.